The following is an entry in ClinVar:

NM_024408.4(NOTCH2):c.3995G>A (p.Arg1332His)

Gene: NOTCH2 (notch receptor 2; minus strand). Cytogenetic location: 1p12.
Variant type: single nucleotide variant.
Coding change: c.3995G>A on transcript NM_024408.4 (MANE Select); coding-DNA position 3995, G replaced by A.
Protein change: p.Arg1332His; replaces arginine 1332 with histidine.
Molecular consequence: missense variant.
Genome position (GRCh38, 1-based): chr1:119,926,509, C>T on the plus strand (G>A on the coding strand, the complement: NOTCH2 is on the minus strand). VCF-style: chr1-119926509-C-T. GRCh37 (hg19) VCF-style: chr1-120469132-C-T.
Other names: c.3995G>A (NM_024408.3); short protein forms R1332H.
Identifiers: ClinVar variation 134973 (VCV000134973.15), dbSNP rs587609362, ClinGen allele CA161273.
Genomic context (GRCh38, chr1:119,926,509, plus strand): 5'-TTGTATGGAAGAGACAATGCCCCTTCTTAGATGAGCAACAGGGCACTTACCGGGGGACAA[C>T]GGCAAATGAAACCATCAGGCATGTTACTGGCCACAGCACAAGTCCCTCCATTCAGGCAGG-3'
Protein context (NP_077719.2, residues 1322-1342): ASNMPDGFIC[Arg1332His]CPPGFSGARC

ClinVar aggregate classification (germline): Conflicting classifications of pathogenicity. Review status: criteria provided, conflicting classifications (1 of 4 stars). 6 submissions from 6 submitters: Uncertain significance (3); Likely benign (1). 2 of the submissions do not count toward it. Last evaluated 2025-12-03.

Conditions:
NOTCH2-related disorder. Also called: NOTCH2-related condition.
Hajdu-Cheney syndrome (HJCYS). Also called: Acroosteolysis dominant type; ACROOSTEOLYSIS WITH OSTEOPOROSIS AND CHANGES IN SKULL AND MANDIBLE; SERPENTINE FIBULA-POLYCYSTIC KIDNEY SYNDROME. Identifiers: Orphanet 955, MedGen C0917715, MONDO:0007057, OMIM 102500.
Alagille syndrome due to a NOTCH2 point mutation. Also called: Alagille syndrome 2. Identifiers: Orphanet 261629, Orphanet 52, MedGen C1857761, MONDO:0012439, OMIM 610205.

Allele frequency attached by ClinVar (database versions not stated): gnomAD exomes 0.00004 and 0.00005; ExAC 0.00006; gnomAD 0.00009 and 0.00010; TOPMed 0.00012; 1000 Genomes Project 0.00020; 1000 Genomes Project 30x 0.00031.
gnomAD v4.1: 79 of 1,601,182 alleles (0.0049%); highest among the groups gnomAD compares: Middle Eastern, 0.033%; no homozygotes.

Submissions (6):

Labcorp Genetics (formerly Invitae), Labcorp
Classification: Uncertain significance for Hajdu-Cheney syndrome. Last evaluated: 2025-12-03. Review status: criteria provided, single submitter. Criteria: Invitae Variant Classification Sherloc (09022015). Collection method: clinical testing. Allele origin: germline.
Comment: This sequence change replaces arginine, which is basic and polar, with histidine, which is basic and polar, at codon 1332 of the NOTCH2 protein (p.Arg1332His). This variant is present in population databases (rs587609362, gnomAD 0.03%). This missense change has been observed in individual(s) with clinical features of Alagille syndrome (PMID: 28776642). ClinVar contains an entry for this variant (Variation ID: 134973). Invitae Evidence Modeling of protein sequence and biophysical properties (such as structural, functional, and spatial information, amino acid conservation, physicochemical variation, residue mobility, and thermodynamic stability) indicates that this missense variant is not expected to disrupt NOTCH2 protein function with a negative predictive value of 95%. In summary, the available evidence is currently insufficient to determine the role of this variant in disease. Therefore, it has been classified as a Variant of Uncertain Significance.

Department of Human Genetics, Hannover Medical School
Classification: Uncertain significance for Alagille syndrome due to a NOTCH2 point mutation. Last evaluated: 2025-02-01. Review status: criteria provided, single submitter. Criteria: ACMG Guidelines, 2015. Collection method: clinical testing. Allele origin: germline. Observed: 1 variant allele.
Comment: ACMG: Computational evidence suggest no impact on gene or gene product (REVEL score 0.231; SpliceAI and MaxEntScan unremarkable) [BP4]; Missense variant in a gene that has a low rate of benign missense variation and in which missense variants are a common mechanism of disease (Missense gnomAD constraint Z-Score NOTCH2: 6,05) [PP2]

Fulgent Genetics
Classification: Uncertain significance for Hajdu-Cheney syndrome; Alagille syndrome due to a NOTCH2 point mutation. Last evaluated: 2024-03-08. Review status: criteria provided, single submitter. Criteria: ACMG Guidelines, 2015. Collection method: clinical testing. Allele origin: germline.

Blueprint Genetics
Classification: Likely benign. Last evaluated: 2022-05-10. Review status: criteria provided, single submitter. Criteria: ACMG Guidelines, 2015. Collection method: clinical testing. Allele origin: germline.

PreventionGenetics, part of Exact Sciences
Classification: Uncertain significance for NOTCH2-related condition. Last evaluated: 2024-08-09. Review status: no assertion criteria provided. Collection method: clinical testing. Allele origin: germline. Not counted in ClinVar's aggregate classification.
Comment: The NOTCH2 c.3995G>A variant is predicted to result in the amino acid substitution p.Arg1332His. This variant has been reported in the heterozygous state in an infant with neonatal cholestasis, but no other features of Allagille syndrome (Stalke et al. 2018. PubMed ID: 28776642). This variant is reported in 0.030% of alleles in individuals of African descent in gnomAD. Although we suspect that this variant may be benign, at this time, the clinical significance of this variant is uncertain due to the absence of conclusive functional and genetic evidence.

ITMI
No classification provided. Condition: AllHighlyPenetrant. Last evaluated: 2013-09-19. Review status: no classification provided. Collection method: reference population. Allele origin: germline. Not counted in ClinVar's aggregate classification.
Comment: Please see associated publication for description of ethnicities

Literature cited by the submitters: PubMed 28776642 (cited by Labcorp Genetics (formerly Invitae), Labcorp); PubMed 24728327 (cited by ITMI).